The following is an entry in ClinVar:

ClinVar aggregate classification (germline): Likely benign (1 of 4 stars; one submission).

Conditions:
P2RX1-related disorder. Also called: P2RX1-related condition.

gnomAD v4.1: 8 of 1,613,072 alleles (0.0005%); highest among the groups gnomAD compares: East Asian, 0.0067%; no homozygotes.

Submission:

PreventionGenetics, part of Exact Sciences
Classification: Likely benign for P2RX1-related condition. Last evaluated: 2025-07-01. Review status: criteria provided, single submitter. Criteria: ACMG Guidelines, 2015. Collection method: clinical testing. Allele origin: germline.
Comment: This variant is classified as likely benign based on ACMG/AMP sequence variant interpretation guidelines (Richards et al. 2015 PMID: 25741868, with internal and published modifications).

NM_002558.4(P2RX1):c.137+9G>A

Gene: P2RX1 (purinergic receptor P2X 1; minus strand). Cytogenetic location: 17p13.2.
Variant type: single nucleotide variant.
Coding change: c.137+9G>A on transcript NM_002558.4 (MANE Select); 9 bases into the intron after coding-DNA position 137, G replaced by A.
Molecular consequence: intron variant.
Genome position (GRCh38, 1-based): chr17:3,916,080, C>T on the plus strand (G>A on the coding strand, the complement: P2RX1 is on the minus strand). VCF-style: chr17-3916080-C-T. GRCh37 (hg19) VCF-style: chr17-3819374-C-T.
Identifiers: ClinVar variation 4990649 (VCV004990649.1).
Genomic context (GRCh38, chr17:3,916,080, plus strand): 5'-GATGTCAGAGTCTGGAGGACAGGCCCGGGGTAGGGGCTGGTGCAGGCAGCGGGAGGCGCC[C>T]GGACTCACCCGATGACGTAGACCAGGACCACCAGCTGGATCAGTCGGAAGATAACGCCCA-3'